The following is an entry in ClinVar:

NM_032119.4(ADGRV1):c.16989A>T (p.Gln5663His)

Gene: ADGRV1 (adhesion G protein-coupled receptor V1; plus strand). Cytogenetic location: 5q14.3.
Variant type: single nucleotide variant.
Coding change: c.16989A>T on transcript NM_032119.4 (MANE Select); coding-DNA position 16989, A replaced by T.
Protein change: p.Gln5663His; replaces glutamine 5663 with histidine.
Molecular consequence: missense variant. On other transcripts: non-coding transcript variant (1).
Genome position (GRCh38, 1-based): chr5:90,840,955, A>T. VCF-style: chr5-90840955-A-T. GRCh37 (hg19) VCF-style: chr5-90136772-A-T.
Other names: short protein forms Q5663H.
Identifiers: ClinVar variation 929987 (VCV000929987.4), dbSNP rs1765372607, ClinGen allele CA360428953.

ClinVar aggregate classification (germline): Uncertain significance (1 of 4 stars; one submission).

Submission:

Laboratory for Molecular Medicine, Mass General Brigham Personalized Medicine
Classification: Uncertain significance. Last evaluated: 2020-01-22. Review status: criteria provided, single submitter. Criteria: LMM Criteria. Collection method: clinical testing. Allele origin: germline. Observed: 1 variant allele.
Comment: The p.Gln5663His variant in ADGRV1 has not been previously reported in individuals with Usher syndrome and was absent from large population studies. Computational prediction tools and conservation analysis suggest that this variant may impact the protein, though this information is not predictive enough to determine pathogenicity. In summary, the clinical significance of this variant is uncertain. ACMG/AMP Criteria applied: PM2, PP3.